The following is an entry in ClinVar:

ClinVar aggregate classification (germline): Likely pathogenic. Review status: criteria provided, multiple submitters, no conflicts (2 of 4 stars). 2 submissions from 2 submitters: Likely pathogenic (2). Last evaluated 2026-03-23.

Conditions:
Cardiovascular phenotype. Identifiers: MedGen CN230736.

gnomAD v4.1: 1 of 1,614,022 alleles (0.000062%); no homozygotes.

Submissions (2):

Ambry Genetics
Classification: Likely pathogenic for Cardiovascular phenotype. Last evaluated: 2026-03-23. Review status: criteria provided, single submitter. Criteria: Ambry Variant Classification Scheme 2023. Collection method: clinical testing. Allele origin: germline.
Comment: The p.K25280* variant (also known as c.75838A>T), located in coding exon 185 of the TTN gene, results from an A to T substitution at nucleotide position 75838. This changes the amino acid from a lysine to a stop codon within coding exon 185. This exon is located in the M-band region of the N2-B isoform of the titin protein and is constitutively expressed in TTN transcripts (percent spliced in or PSI 100%). This variant is expected to result in loss of function by premature protein truncation or nonsense-mediated mRNA decay. While truncating variants in TTN are present in 1-3% of the general population, truncating variants in the M-band have been reported in association with autosomal recessive titinopathies, primarily presenting with skeletal myopathy phenotypes (Ceyhan-Birsoy O et al. Neurology. 2013 Oct 1;81(14):1205-14; De Cid R et al. Neurology. 2015;85(24):2126-35). Truncating variants in coding exon 185 of the M-band of the N2-B isoform have also been specifically associated with autosomal dominant dilated cardiomyopathy (Vatta M et al. Circ GenomPrecis Med. 2025 Feb:e004982). More generally, TTN truncating variants encoded in constitutive exons (PSI >90%) have been found to be significantly associated with dilated cardiomyopathy (DCM) regardless of their position, although truncating variants in the A-band are the most common cause of DCM (Herman DS et al. N. Engl. J. Med., 2012 Feb;366:619-28; Roberts AM et al. Sci Transl Med, 2015 Jan;7:270ra6; Schafer S et al. Nat. Genet., 2017 01;49:46-53; Akhtar MM et al. Circ Heart Fail, 2020 Oct;13:e006832; Massier M et al. Clin Genet, 2025 Jan). This variant is considered to be rare based on population cohorts in the Genome Aggregation Database (gnomAD). Based on the majority of available evidence to date, this variant is likely to be pathogenic.

Revvity Omics, Revvity
Classification: Likely pathogenic. Last evaluated: 2024-08-12. Review status: criteria provided, single submitter. Criteria: ACMG Guidelines, 2015. Collection method: clinical testing. Allele origin: germline.

NM_001267550.2(TTN):c.103033A>T (p.Lys34345Ter)

Genes: TTN (titin; minus strand), TTN-AS1 (TTN antisense RNA 1; plus strand). Cytogenetic location: 2q31.2.
Variant type: single nucleotide variant.
Coding change: c.103033A>T on transcript NM_001267550.2 (MANE Select); coding-DNA position 103033, A replaced by T.
Protein change: p.Lys34345Ter; replaces lysine 34345 with a stop codon.
Molecular consequence: nonsense.
Genome position (GRCh38, 1-based): chr2:178,533,582, T>A on the plus strand (A>T on the coding strand, the complement: TTN is on the minus strand). VCF-style: chr2-178533582-T-A. GRCh37 (hg19) VCF-style: chr2-179398309-T-A.
Other names: c.95329A>T, p.Lys31777Ter (NM_133378.4); c.76213A>T, p.Lys25405Ter (NM_133432.3); c.76414A>T, p.Lys25472Ter (NM_133437.4); c.98110A>T, p.Lys32704Ter (NM_001256850.1); c.75838A>T, p.Lys25280Ter (NM_003319.4); short protein forms K25280*, K25405*, K25472*, K31777*, K32704*, K34345*.
Identifiers: ClinVar variation 4077722 (VCV004077722.2).
Genomic context (GRCh38, chr2:178,533,582, plus strand): 5'-ACATGGGTCTTAAGGTACTATCTGTTGGAGGTGGGTGTAGGGTTACTGTCAGCTTTGCTT[T>A]ACAGCTGTCTTCACCATATTTGTTCCTTGCCACAACAGTATATTCAGCGTCATCATCTGT-3'